The following is an entry in ClinVar:

ClinVar aggregate classification (germline): Uncertain significance (1 of 4 stars; one submission).

Submission:

Women's Health and Genetics/Laboratory Corporation of America, LabCorp
Classification: Uncertain significance. Last evaluated: 2025-09-05. Review status: criteria provided, single submitter. Criteria: LabCorp Variant Classification Summary - May 2015. Collection method: clinical testing. Allele origin: germline.
Comment: Variant summary: TFR2 c.849+2dupT alters a conserved nucleotide located close to a canonical splice site and therefore could affect mRNA splicing, leading to a significantly altered protein sequence. Several computational tools predict a significant impact on normal splicing: One predict the variant abolishes a 5' splicing donor site. Three predict the variant weakens a 5' donor site. However, these predictions have yet to be confirmed by functional studies. The variant was absent in 248056 control chromosomes. The available data on variant occurrences in the general population are insufficient to allow any conclusion about variant significance. To our knowledge, no occurrence of c.849+2dupT in individuals affected with TFR2-related conditions and no experimental evidence demonstrating its impact on protein function have been reported. No submitters have cited clinical-significance assessments for this variant to ClinVar. Based on the evidence outlined above, the variant was classified as uncertain significance.

NM_003227.4(TFR2):c.849+2dup

Gene: TFR2 (transferrin receptor 2; minus strand). Cytogenetic location: 7q22.1.
Variant type: Duplication.
Coding change: c.849+2dup on transcript NM_003227.4 (MANE Select); the canonical splice donor site of the intron after coding-DNA position 849, one base duplicated (T; older notation c.849+2dupT).
Molecular consequence: splice donor variant.
Genome position (GRCh38, 1-based): chr7:100,632,999, A duplicated on the plus strand (T on the coding strand, the reverse complement: TFR2 is on the minus strand). VCF-style (leftmost placement, unchanged base first): chr7-100632998-T-TA. GRCh37 (hg19) VCF-style: chr7-100230621-T-TA.
Other names: c.336+2dup (NM_001206855.3); c.849+2dupT (NM_003227.4).
Identifiers: ClinVar variation 4535715 (VCV004535715.1).